The following is an entry in ClinVar:

ClinVar aggregate classification (germline): Uncertain significance (1 of 4 stars; one submission).

Submission:

CeGaT Center for Human Genetics Tuebingen
Classification: Uncertain significance. Last evaluated: 2023-01-01. Review status: criteria provided, single submitter. Criteria: CeGaT Center For Human Genetics Tuebingen Variant Classification Criteria Version 2. Collection method: clinical testing. Allele origin: germline. Affected: yes. Observed: 1 variant allele.
Comment: MBD5: PM2

NM_001378120.1(MBD5):c.3731C>T (p.Ala1244Val)

Gene: MBD5 (methyl-CpG binding domain protein 5; plus strand). Cytogenetic location: 2q23.1.
Variant type: single nucleotide variant.
Coding change: c.3731C>T on transcript NM_001378120.1 (MANE Select); coding-DNA position 3731, C replaced by T.
Protein change: p.Ala1244Val; replaces alanine 1244 with valine.
Molecular consequence: missense variant.
Genome position (GRCh38, 1-based): chr2:148,485,928, C>T. VCF-style: chr2-148485928-C-T. GRCh37 (hg19) VCF-style: chr2-149243497-C-T.
Other names: c.3032C>T, p.Ala1011Val (NM_018328.5); short protein forms A1011V, A1244V.
Identifiers: ClinVar variation 2498832 (VCV002498832.28), dbSNP rs1057522910, ClinGen allele CA348724753.